The following is an entry in ClinVar:

NM_001289808.2(CRYAB):c.201+5G>C

Gene: CRYAB (crystallin alpha B; minus strand). Cytogenetic location: 11q23.1.
Variant type: single nucleotide variant.
Coding change: c.201+5G>C on transcript NM_001289808.2 (MANE Select); 5 bases into the intron after coding-DNA position 201, G replaced by C.
Molecular consequence: intron variant.
Genome position (GRCh38, 1-based): chr11:111,911,519, C>G on the plus strand (G>C on the coding strand, the complement: CRYAB is on the minus strand). VCF-style: chr11-111911519-C-G. GRCh37 (hg19) VCF-style: chr11-111782243-C-G.
Other names: c.201+5G>C (NM_001368245.1, NM_001885.3, NM_001289807.1).
Identifiers: ClinVar variation 544023 (VCV000544023.9), dbSNP rs1555165537, ClinGen allele CA658797798.

ClinVar aggregate classification (germline): Uncertain significance (1 of 4 stars; one submission).

Conditions:
Dilated cardiomyopathy 1II (CMD1II). Identifiers: Orphanet 154, MedGen C3554649, MONDO:0014073, OMIM 615184.

Submission:

Labcorp Genetics (formerly Invitae), Labcorp
Classification: Uncertain significance for Dilated cardiomyopathy 1II. Last evaluated: 2024-12-06. Review status: criteria provided, single submitter. Criteria: Invitae Variant Classification Sherloc (09022015). Collection method: clinical testing. Allele origin: germline.
Comment: This sequence change falls in intron 2 of the CRYAB gene. It does not directly change the encoded amino acid sequence of the CRYAB protein. It affects a nucleotide within the consensus splice site. This variant is not present in population databases (gnomAD no frequency). This variant has not been reported in the literature in individuals affected with CRYAB-related conditions. ClinVar contains an entry for this variant (Variation ID: 544023). Variants that disrupt the consensus splice site are a relatively common cause of aberrant splicing (PMID: 17576681, 9536098). Algorithms developed to predict the effect of sequence changes on RNA splicing suggest that this variant may disrupt the consensus splice site. In summary, the available evidence is currently insufficient to determine the role of this variant in disease. Therefore, it has been classified as a Variant of Uncertain Significance.

Literature cited by the submitters: PubMed 17576681; PubMed 9536098.